The following is an entry in ClinVar:

NM_000260.4(MYO7A):c.6463A>G (p.Thr2155Ala)

Gene: MYO7A (myosin VIIA; plus strand). Cytogenetic location: 11q13.5.
Variant type: single nucleotide variant.
Coding change: c.6463A>G on transcript NM_000260.4 (MANE Select); coding-DNA position 6463, A replaced by G.
Protein change: p.Thr2155Ala; replaces threonine 2155 with alanine.
Molecular consequence: missense variant.
Genome position (GRCh38, 1-based): chr11:77,213,884, A>G. VCF-style: chr11-77213884-A-G. GRCh37 (hg19) VCF-style: chr11-76924929-A-G.
Other names: c.6343A>G, p.Thr2115Ala (NM_001127180.2); c.6316A>G, p.Thr2106Ala (NM_001369365.1); c.6463A>G (NM_000260.3); short protein forms T2106A, T2115A, T2155A.
Identifiers: ClinVar variation 2181439 (VCV002181439.3), dbSNP rs891686752, ClinGen allele CA224829951.

ClinVar aggregate classification (germline): Uncertain significance. Review status: criteria provided, multiple submitters, no conflicts (2 of 4 stars). 2 submissions from 2 submitters: Uncertain significance (2). Last evaluated 2025-05-18.

Conditions:
Inborn genetic diseases. Identifiers: MedGen C0950123, MeSH D030342.

Allele frequency attached by ClinVar (database versions not stated): gnomAD exomes below 0.00001; TOPMed 0.00002.
gnomAD v4.1: 1 of 1,613,946 alleles (0.000062%); highest among the groups gnomAD compares: African/African-American, 0.0013%; no homozygotes.

Submissions (2):

Labcorp Genetics (formerly Invitae), Labcorp
Classification: Uncertain significance. Last evaluated: 2025-05-18. Review status: criteria provided, single submitter. Criteria: Invitae Variant Classification Sherloc (09022015). Collection method: clinical testing. Allele origin: germline.
Comment: This sequence change replaces threonine, which is neutral and polar, with alanine, which is neutral and non-polar, at codon 2155 of the MYO7A protein (p.Thr2155Ala). This variant is present in population databases (no rsID available, gnomAD 0.01%). This variant has not been reported in the literature in individuals affected with MYO7A-related conditions. ClinVar contains an entry for this variant (Variation ID: 2181439). Invitae Evidence Modeling of protein sequence and biophysical properties (such as structural, functional, and spatial information, amino acid conservation, physicochemical variation, residue mobility, and thermodynamic stability) indicates that this missense variant is not expected to disrupt MYO7A protein function with a negative predictive value of 95%. In summary, the available evidence is currently insufficient to determine the role of this variant in disease. Therefore, it has been classified as a Variant of Uncertain Significance.

Ambry Genetics
Classification: Uncertain significance for Inborn genetic diseases. Last evaluated: 2025-03-25. Review status: criteria provided, single submitter. Criteria: Ambry Variant Classification Scheme 2023. Collection method: clinical testing. Allele origin: germline.